The following is an entry in ClinVar:

NM_000245.4(MET):c.468G>C (p.Ser156=)

Gene: MET (MET proto-oncogene, receptor tyrosine kinase; plus strand). Cytogenetic location: 7q31.2.
Variant type: single nucleotide variant.
Coding change: c.468G>C on transcript NM_000245.4 (MANE Select); coding-DNA position 468, G replaced by C.
Protein change: p.Ser156=; no amino-acid change (serine 156 retained).
Molecular consequence: synonymous variant. On other transcripts: intron variant (1).
Genome position (GRCh38, 1-based): chr7:116,699,552, G>C. VCF-style: chr7-116699552-G-C. GRCh37 (hg19) VCF-style: chr7-116339606-G-C.
Other names: c.468G>C, p.Ser156= (NM_001127500.3, NM_001324401.3); c.-91+26975G>C (NM_001324402.2).
Identifiers: ClinVar variation 1078588 (VCV001078588.10), dbSNP rs576502224, ClinGen allele CA164888433.
Genomic context (GRCh38, chr7:116,699,552, plus strand): 5'-CAACAGAGGGACCTGCCAGCGACATGTCTTTCCCCACAATCATACTGCTGACATACAGTC[G>C]GAGGTTCACTGCATATTCTCCCCACAGATAGAAGAGCCCAGCCAGTGTCCTGACTGTGTG-3'
Protein context (NP_000236.2, residues 146-166): FPHNHTADIQ[Ser156=]EVHCIFSPQI

ClinVar aggregate classification (germline): Benign/Likely benign. Review status: criteria provided, multiple submitters, no conflicts (2 of 4 stars). 3 submissions from 3 submitters: Benign (1); Likely benign (2). Last evaluated 2024-11-06.

Conditions:
Renal cell carcinoma. Identifiers: Orphanet 217071, MedGen C0007134, MeSH D002292, MONDO:0005086, HP:0005584.
Papillary renal cell carcinoma type 1 (RCCP1). Also called: RENAL CELL CARCINOMA, PAPILLARY, 1, SOMATIC; Renal adenocarcinoma; Renal cell carcinoma 1; Renal cell carcinoma, somatic. Identifiers: Orphanet 47044, MedGen C1336839, OMIM 605074, HP:0011797.
Hereditary cancer-predisposing syndrome. Also called: Hereditary Cancer Syndrome; Hereditary neoplastic syndrome; Tumor predisposition; Neoplastic Syndromes, Hereditary. Identifiers: Orphanet 140162, MedGen C0027672, MeSH D009386, MONDO:0015356.

gnomAD v4.1: 7 of 1,613,982 alleles (0.00043%); highest among the groups gnomAD compares: Non-Finnish European, 0.00059%; no homozygotes.

Submissions (3):

Myriad Genetics, Inc.
Classification: Benign for Papillary renal cell carcinoma type 1. Last evaluated: 2024-11-06. Review status: criteria provided, single submitter. Criteria: Myriad Autosomal Dominant, Autosomal Recessive and X-Linked Classification Criteria (2023). Collection method: clinical testing. Allele origin: unknown.
Comment: This variant is considered benign. This variant is a silent/synonymous amino acid change and it is not expected to impact splicing.

Labcorp Genetics (formerly Invitae), Labcorp
Classification: Likely benign for Renal cell carcinoma. Last evaluated: 2023-03-09. Review status: criteria provided, single submitter. Criteria: Invitae Variant Classification Sherloc (09022015). Collection method: clinical testing. Allele origin: germline.

Ambry Genetics
Classification: Likely benign for Hereditary cancer-predisposing syndrome. Last evaluated: 2022-04-08. Review status: criteria provided, single submitter. Criteria: Ambry Variant Classification Scheme 2023. Collection method: clinical testing. Allele origin: germline.